The following is an entry in ClinVar:

ClinVar aggregate classification (germline): Likely benign. Review status: criteria provided, multiple submitters, no conflicts (2 of 4 stars). 4 submissions from 4 submitters: Likely benign (4). Last evaluated 2025-12-31.

Conditions:
Hereditary nonpolyposis colorectal neoplasms. Identifiers: MedGen C0009405, MeSH D003123.
Hereditary cancer-predisposing syndrome. Also called: Hereditary neoplastic syndrome; Hereditary Cancer Syndrome; Neoplastic Syndromes, Hereditary; Tumor predisposition. Identifiers: Orphanet 140162, MedGen C0027672, MeSH D009386, MONDO:0015356.
Lynch syndrome 5 (LYNCH5). Also called: Colorectal cancer, hereditary nonpolyposis, type 5; Hereditary non-polyposis colorectal cancer, type 5. Identifiers: Orphanet 144, MedGen C1833477, MONDO:0013710, OMIM 614350. Disease mechanism: loss of function.

Allele frequency attached by ClinVar (database versions not stated): gnomAD exomes below 0.00001; TOPMed below 0.00001.
gnomAD v4.1: 1 of 1,561,490 alleles (0.000064%); no homozygotes.

Submissions (4):

Labcorp Genetics (formerly Invitae), Labcorp
Classification: Likely benign for Hereditary nonpolyposis colorectal neoplasms. Last evaluated: 2025-12-31. Review status: criteria provided, single submitter. Criteria: Invitae Variant Classification Sherloc (09022015). Collection method: clinical testing. Allele origin: germline.

Myriad Genetics, Inc.
Classification: Likely benign for Lynch syndrome 5. Last evaluated: 2025-01-07. Review status: criteria provided, single submitter. Criteria: Myriad Autosomal Dominant, Autosomal Recessive and X-Linked Classification Criteria (2023). Collection method: clinical testing. Allele origin: unknown.
Comment: This variant is considered likely benign. This variant is intronic and is not expected to impact mRNA splicing.

Color Diagnostics, LLC DBA Color Health
Classification: Likely benign for Hereditary cancer-predisposing syndrome. Last evaluated: 2017-06-08. Review status: criteria provided, single submitter. Criteria: ACMG Guidelines, 2015. Collection method: clinical testing. Allele origin: germline.

GeneDx
Classification: Likely benign. Last evaluated: 2016-06-08. Review status: criteria provided, single submitter. Criteria: GeneDx Variant Classification (06012015). Collection method: clinical testing. Allele origin: germline. Affected: yes.
Comment: This variant is considered likely benign or benign based on one or more of the following criteria: it is a conservative change, it occurs at a poorly conserved position in the protein, it is predicted to be benign by multiple in silico algorithms, and/or has population frequency not consistent with disease.

NM_000179.3(MSH6):c.3646+10T>A

Gene: MSH6 (mutS homolog 6; plus strand). Cytogenetic location: 2p16.3.
Variant type: single nucleotide variant.
Coding change: c.3646+10T>A on transcript NM_000179.3 (MANE Select); 10 bases into the intron after coding-DNA position 3646, T replaced by A.
Molecular consequence: intron variant.
Genome position (GRCh38, 1-based): chr2:47,805,717, T>A. VCF-style: chr2-47805717-T-A. GRCh37 (hg19) VCF-style: chr2-48032856-T-A.
Other names: c.2740+10T>A (NM_001281493.2, NM_001281494.2); c.3256+10T>A (NM_001281492.2).
Identifiers: ClinVar variation 378169 (VCV000378169.15), dbSNP rs1057520325, ClinGen allele CA16604334.